The following is an entry in ClinVar:

ClinVar aggregate classification (germline): Uncertain significance (1 of 4 stars; one submission).

Conditions:
Inborn genetic diseases. Identifiers: MedGen C0950123, MeSH D030342.

gnomAD v4.1: 2 of 1,613,594 alleles (0.00012%); highest among the groups gnomAD compares: African/African-American, 0.0013%; no homozygotes.

Submission:

Ambry Genetics
Classification: Uncertain significance for Inborn genetic diseases. Last evaluated: 2026-06-09. Review status: criteria provided, single submitter. Criteria: Ambry Variant Classification Scheme 2023. Collection method: clinical testing. Allele origin: germline.
Comment: The p.K430E variant (also known as c.1288A>G), located in coding exon 12 of the DDX41 gene, results from an A to G substitution at nucleotide position 1288. The lysine at codon 430 is replaced by glutamic acid, an amino acid with similar properties. This amino acid position is conserved. In addition, this alteration is predicted to be deleterious by in silico analysis. Based on the available evidence, the clinical significance of this variant remains unclear.

NM_016222.4(DDX41):c.1288A>G (p.Lys430Glu)

Gene: DDX41 (DEAD-box helicase 41; minus strand). Cytogenetic location: 5q35.3.
Variant type: single nucleotide variant.
Coding change: c.1288A>G on transcript NM_016222.4 (MANE Select); coding-DNA position 1288, A replaced by G.
Protein change: p.Lys430Glu; replaces lysine 430 with glutamic acid.
Molecular consequence: missense variant.
Genome position (GRCh38, 1-based): chr5:177,513,025, T>C on the plus strand (A>G on the coding strand, the complement: DDX41 is on the minus strand). VCF-style: chr5-177513025-T-C. GRCh37 (hg19) VCF-style: chr5-176940026-T-C.
Other names: c.910A>G, p.Lys304Glu (NM_001321732.2, NM_001321830.2); short protein forms K304E, K430E.
Identifiers: ClinVar variation 4869697 (VCV004869697.1).